The following is an entry in ClinVar:

ClinVar aggregate classification (germline): Benign (0 of 4 stars; one submission).

Conditions:
KCNQ1-related disorder. Also called: KCNQ1-related condition; KCNQ1-related disorders. Identifiers: MedGen CN239322.

Allele frequency attached by ClinVar (database versions not stated): gnomAD 0.11239; TOPMed 0.11266; 1000 Genomes Project 0.11522; 1000 Genomes Project 30x 0.11602; gnomAD exomes 0.11758.
gnomAD v4.1: 46,082 of 398,690 alleles (12%); highest among the groups gnomAD compares: Middle Eastern, 16%; 2,794 homozygotes.

Submission:

PreventionGenetics, part of Exact Sciences
Classification: Benign for KCNQ1-related condition. Last evaluated: 2019-09-30. Review status: no assertion criteria provided. Collection method: clinical testing. Allele origin: germline.
Comment: This variant is classified as benign based on ACMG/AMP sequence variant interpretation guidelines (Richards et al. 2015 PMID: 25741868, with internal and published modifications).

NM_000218.3(KCNQ1):c.1394-8755G>A

Genes: KCNQ1 (potassium voltage-gated channel subfamily Q member 1; plus strand), KCNQ1OT1 (KCNQ1 opposite strand/antisense transcript 1; minus strand). Cytogenetic location: 11p15.5.
Variant type: single nucleotide variant.
Coding change: c.1394-8755G>A on transcript NM_000218.3 (MANE Select); 8755 bases into the intron before coding-DNA position 1394, G replaced by A.
Molecular consequence: intron variant. On other transcripts: non-coding transcript variant (1).
Genome position (GRCh38, 1-based): chr11:2,653,206, G>A. VCF-style: chr11-2653206-G-A. GRCh37 (hg19) VCF-style: chr11-2674436-G-A.
Other names: c.1124-8755G>A (NM_001406837.1); c.1298-8755G>A (NM_001406836.1); c.854-8755G>A (NM_001406838.1); c.1013-8755G>A (NM_181798.2).
Identifiers: ClinVar variation 3055910 (VCV003055910.2), dbSNP rs231347, ClinGen allele CA216164630.